The following is an entry in ClinVar:

ClinVar aggregate classification (germline): Uncertain significance (1 of 4 stars; one submission).

Conditions:
Cardiovascular phenotype. Identifiers: MedGen CN230736.

Allele frequency attached by ClinVar (database versions not stated): gnomAD 0.00001; TOPMed 0.00001.
gnomAD v4.1: 10 of 1,575,324 alleles (0.00063%); highest among the groups gnomAD compares: East Asian, 0.0023%; no homozygotes.

Submission:

Ambry Genetics
Classification: Uncertain significance for Cardiovascular phenotype. Last evaluated: 2020-01-09. Review status: criteria provided, single submitter. Criteria: Ambry Variant Classification Scheme 2023. Collection method: clinical testing. Allele origin: germline.
Comment: The p.P7178L variant (also known as c.21533C>T), located in coding exon 87 of the TTN gene, results from a C to T substitution at nucleotide position 21533. The proline at codon 7178 is replaced by leucine, an amino acid with similar properties. This amino acid position is well conserved in available vertebrate species. In addition, this alteration is predicted to be tolerated by in silico analysis. Since supporting evidence is limited at this time, the clinical significance of this alteration remains unclear.

NM_001267550.2(TTN):c.48728C>T (p.Pro16243Leu)

Genes: TTN (titin; minus strand), TTN-AS1 (TTN antisense RNA 1; plus strand), LOC126806426 (BRD4-independent group 4 enhancer GRCh37_chr2:179478848-179480047; plus strand). Cytogenetic location: 2q31.2.
Variant type: single nucleotide variant.
Coding change: c.48728C>T on transcript NM_001267550.2 (MANE Select); coding-DNA position 48728, C replaced by T.
Protein change: p.Pro16243Leu; replaces proline 16243 with leucine.
Molecular consequence: missense variant.
Genome position (GRCh38, 1-based): chr2:178,614,879, G>A on the plus strand (C>T on the coding strand, the complement: TTN is on the minus strand). VCF-style: chr2-178614879-G-A. GRCh37 (hg19) VCF-style: chr2-179479606-G-A.
Other names: c.43805C>T, p.Pro14602Leu (NM_001256850.1); c.21533C>T, p.Pro7178Leu (NM_003319.4); c.41024C>T, p.Pro13675Leu (NM_133378.4); c.21908C>T, p.Pro7303Leu (NM_133432.3); c.22109C>T, p.Pro7370Leu (NM_133437.4); short protein forms P16243L, P7178L, P14602L, P7303L, P7370L, P13675L.
Identifiers: ClinVar variation 1786779 (VCV001786779.2), dbSNP rs1176398842, ClinGen allele CA349608272.